The following is an entry in ClinVar:

NM_006420.3(ARFGEF2):c.5227A>T (p.Met1743Leu)

Gene: ARFGEF2 (ARF guanine nucleotide exchange factor 2; plus strand). Cytogenetic location: 20q13.13.
Variant type: single nucleotide variant.
Coding change: c.5227A>T on transcript NM_006420.3 (MANE Select); coding-DNA position 5227, A replaced by T.
Protein change: p.Met1743Leu; replaces methionine 1743 with leucine.
Molecular consequence: missense variant.
Genome position (GRCh38, 1-based): chr20:49,033,068, A>T. VCF-style: chr20-49033068-A-T. GRCh37 (hg19) VCF-style: chr20-47649605-A-T.
Other names: c.5224A>T, p.Met1742Leu (NM_001410846.1); short protein forms M1742L, M1743L.
Identifiers: ClinVar variation 4528310 (VCV004528310.1).

ClinVar aggregate classification (germline): Uncertain significance (1 of 4 stars; one submission).

Submission:

GeneDx
Classification: Uncertain significance. Last evaluated: 2025-04-22. Review status: criteria provided, single submitter. Criteria: GeneDx Variant Classification Process June 2021. Collection method: clinical testing. Allele origin: germline. Affected: yes.
Comment: In silico analysis indicates that this missense variant does not alter protein structure/function; In silico analysis is inconclusive as to whether the variant alters gene splicing; in the absence of RNA/functional studies, the actual effect of this sequence change is unknown.; Has not been previously published as pathogenic or benign to our knowledge